The following is an entry in ClinVar:

NM_000256.3(MYBPC3):c.2756C>T (p.Ala919Val)

Gene: MYBPC3 (myosin binding protein C3; minus strand). Cytogenetic location: 11p11.2.
Variant type: single nucleotide variant.
Coding change: c.2756C>T on transcript NM_000256.3 (MANE Select); coding-DNA position 2756, C replaced by T.
Protein change: p.Ala919Val; replaces alanine 919 with valine.
Molecular consequence: missense variant.
Genome position (GRCh38, 1-based): chr11:47,335,191, G>A on the plus strand (C>T on the coding strand, the complement: MYBPC3 is on the minus strand). VCF-style: chr11-47335191-G-A. GRCh37 (hg19) VCF-style: chr11-47356742-G-A.
Other names: short protein forms A919V.
Identifiers: ClinVar variation 4614587 (VCV004614587.1).

ClinVar aggregate classification (germline): Uncertain significance (1 of 4 stars; one submission).

Conditions:
Cardiovascular phenotype. Identifiers: MedGen CN230736.

gnomAD v4.1: 1 of 1,602,266 alleles (0.000062%); highest among the groups gnomAD compares: Non-Finnish European, 0.000085%; no homozygotes.

Submission:

Ambry Genetics
Classification: Uncertain significance for Cardiovascular phenotype. Last evaluated: 2025-11-16. Review status: criteria provided, single submitter. Criteria: Ambry Variant Classification Scheme 2023. Collection method: clinical testing. Allele origin: germline.
Comment: The p.A919V variant (also known as c.2756C>T), located in coding exon 27 of the MYBPC3 gene, results from a C to T substitution at nucleotide position 2756. The alanine at codon 919 is replaced by valine, an amino acid with similar properties. This amino acid position is conserved. In addition, the in silico prediction for this alteration is inconclusive. Based on the available evidence, the clinical significance of this variant remains unclear.